The following is an entry in ClinVar:

ClinVar aggregate classification (germline): Uncertain significance (1 of 4 stars; one submission).

Conditions:
Fanconi anemia complementation group F. Also called: FANCF-Related Fanconi Anemia. Identifiers: Orphanet 84, MedGen C3469526, MONDO:0011325, OMIM 603467.

Allele frequency attached by ClinVar (database versions not stated): gnomAD exomes below 0.00001 and 0.00001.
gnomAD v4.1: 4 of 1,614,076 alleles (0.00025%); highest among the groups gnomAD compares: Admixed American, 0.0033%; no homozygotes.

Submission:

Baylor Genetics
Classification: Uncertain significance for Fanconi anemia complementation group F. Last evaluated: 2020-01-27. Review status: criteria provided, single submitter. Criteria: ACMG Guidelines, 2015. Collection method: clinical testing. Allele origin: unknown. Affected: yes. Study: CSER-TexasKidsCanSeq.
Comment: This variant was determined to be of uncertain significance according to ACMG Guidelines, 2015 [PMID:25741868].

NM_022725.4(FANCF):c.581A>G (p.Glu194Gly)

Gene: FANCF (FA complementation group F; minus strand). Cytogenetic location: 11p14.3.
Variant type: single nucleotide variant.
Coding change: c.581A>G on transcript NM_022725.4 (MANE Select); coding-DNA position 581, A replaced by G.
Protein change: p.Glu194Gly; replaces glutamic acid 194 with glycine.
Molecular consequence: missense variant.
Genome position (GRCh38, 1-based): chr11:22,625,230, T>C on the plus strand (A>G on the coding strand, the complement: FANCF is on the minus strand). VCF-style: chr11-22625230-T-C. GRCh37 (hg19) VCF-style: chr11-22646776-T-C.
Other names: short protein forms E194G.
Identifiers: ClinVar variation 997476 (VCV000997476.2), dbSNP rs1274843959, ClinGen allele CA380058750.